The following is an entry in ClinVar:

NM_019888.3(MC3R):c.784C>G (p.Leu262Val)

Gene: MC3R (melanocortin 3 receptor; plus strand). Cytogenetic location: 20q13.2.
Variant type: single nucleotide variant.
Coding change: c.784C>G on transcript NM_019888.3 (MANE Select); coding-DNA position 784, C replaced by G.
Protein change: p.Leu262Val; replaces leucine 262 with valine.
Molecular consequence: missense variant.
Genome position (GRCh38, 1-based): chr20:56,249,627, C>G. VCF-style: chr20-56249627-C-G. GRCh37 (hg19) VCF-style: chr20-54824683-C-G.
Other names: short protein forms L262V.
Identifiers: ClinVar variation 3351767 (VCV003351767.2).

ClinVar aggregate classification (germline): Uncertain significance. Review status: criteria provided, single submitter (1 of 4 stars). 2 submissions from 2 submitters: Uncertain significance (1). 1 of the submissions does not count toward it. Last evaluated 2024-02-27.

Conditions:
MC3R-related disorder. Also called: MC3R-related condition.

gnomAD v4.1: 54 of 1,613,644 alleles (0.0033%); highest among the groups gnomAD compares: Non-Finnish European, 0.0043%; no homozygotes.

Submissions (2):

Blueprint Genetics
Classification: Uncertain significance. Last evaluated: 2024-02-27. Review status: criteria provided, single submitter. Criteria: ACMG Guidelines, 2015. Collection method: clinical testing. Allele origin: germline.

PreventionGenetics, part of Exact Sciences
Classification: Uncertain significance for MC3R-related condition. Last evaluated: 2024-09-10. Review status: no assertion criteria provided. Collection method: clinical testing. Allele origin: germline. Not counted in ClinVar's aggregate classification.
Comment: The MC3R c.784C>G variant is predicted to result in the amino acid substitution p.Leu262Val. This variant has been reported in a heterozygous child affected with severe obesity (described as L299V in Zegers et al. 2011. PubMed ID: 20539302). Variant p.Leu262Val MC3R protein was shown to have decreased expression at the plasma membrane and decreased signaling compared to non-variant protein in cell-based functional assays (Zegers et al. 2011. PubMed ID: 20539302). A different functional study also reported the same variant MC3R protein to have altered signaling properties compared to non-variant, but found expression at the plasma membrane to be unchanged (described as L299V in Yang et al. 2015. PubMed ID: 25798062). This variant is reported in 0.0016% of alleles in individuals of European (Non-Finnish) descent in gnomAD. Although we suspect that this variant may be pathogenic, at this time, the clinical significance of this variant is uncertain due to the absence of conclusive functional and genetic evidence.